The following is an entry in ClinVar:

NM_000038.6(APC):c.7588C>T (p.Arg2530Trp)

Gene: APC (APC regulator of Wnt signaling pathway; plus strand). Cytogenetic location: 5q22.2.
Variant type: single nucleotide variant.
Coding change: c.7588C>T on transcript NM_000038.6 (MANE Select); coding-DNA position 7588, C replaced by T.
Protein change: p.Arg2530Trp; replaces arginine 2530 with tryptophan.
Molecular consequence: missense variant.
Genome position (GRCh38, 1-based): chr5:112,843,182, C>T. VCF-style: chr5-112843182-C-T. GRCh37 (hg19) VCF-style: chr5-112178879-C-T.
Other names: p.R2530W:CGG>TGG; c.7534C>T, p.Arg2512Trp (NM_001127511.3); c.7588C>T, p.Arg2530Trp (NM_001354895.2, NM_001127510.3); c.7642C>T, p.Arg2548Trp (NM_001354896.2); c.7618C>T, p.Arg2540Trp (NM_001354897.2); c.7513C>T, p.Arg2505Trp (NM_001354898.2); c.7504C>T, p.Arg2502Trp (NM_001354899.2); c.7465C>T, p.Arg2489Trp (NM_001354900.2); and 6 more; short protein forms R2512W, R2530W, R2370W, R2404W, R2439W, R2502W, R2505W, R2489W.
Identifiers: ClinVar variation 181824 (VCV000181824.28), dbSNP rs730881265, ClinGen allele CA013892.

ClinVar aggregate classification (germline): Conflicting classifications of pathogenicity. Review status: criteria provided, conflicting classifications (1 of 4 stars). 8 submissions from 8 submitters: Uncertain significance (7); Likely benign (1). Last evaluated 2026-02-02.

Conditions:
Classic or attenuated familial adenomatous polyposis. Identifiers: MedGen CN372698, MONDO:0021057.
Hereditary cancer-predisposing syndrome. Also called: Tumor predisposition; Hereditary Cancer Syndrome; Hereditary neoplastic syndrome; Neoplastic Syndromes, Hereditary. Identifiers: Orphanet 140162, MedGen C0027672, MeSH D009386, MONDO:0015356.
Familial adenomatous polyposis 1 (FAP1). Also called: FAMILIAL ADENOMATOUS POLYPOSIS 1, ATTENUATED; POLYPOSIS, ADENOMATOUS INTESTINAL. Identifiers: MedGen C2713442, MONDO:0021056, OMIM 175100. Disease mechanism: loss of function.

Allele frequency attached by ClinVar (database versions not stated): gnomAD 0.00001; gnomAD exomes 0.00001 and 0.00003; TOPMed 0.00001; ExAC 0.00005.
gnomAD v4.1: 17 of 1,612,706 alleles (0.0011%); highest among the groups gnomAD compares: East Asian, 0.0022%; no homozygotes.

Submissions (8):

Labcorp Genetics (formerly Invitae), Labcorp
Classification: Uncertain significance for Familial adenomatous polyposis 1. Last evaluated: 2026-02-02. Review status: criteria provided, single submitter. Criteria: Invitae Variant Classification Sherloc (09022015). Collection method: clinical testing. Allele origin: germline.
Comment: This sequence change replaces arginine, which is basic and polar, with tryptophan, which is neutral and slightly polar, at codon 2530 of the APC protein (p.Arg2530Trp). This variant is present in population databases (rs730881265, gnomAD 0.007%). This variant has not been reported in the literature in individuals affected with APC-related conditions. ClinVar contains an entry for this variant (Variation ID: 181824). Invitae Evidence Modeling of protein sequence and biophysical properties (such as structural, functional, and spatial information, amino acid conservation, physicochemical variation, residue mobility, and thermodynamic stability) indicates that this missense variant is not expected to disrupt APC protein function with a negative predictive value of 95%. In summary, the available evidence is currently insufficient to determine the role of this variant in disease. Therefore, it has been classified as a Variant of Uncertain Significance.

Color Diagnostics, LLC DBA Color Health
Classification: Uncertain significance for Hereditary cancer-predisposing syndrome. Last evaluated: 2025-07-14. Review status: criteria provided, single submitter. Criteria: ACMG Guidelines, 2015. Collection method: clinical testing. Allele origin: germline.
Comment: This missense variant replaces arginine with tryptophan at codon 2530 of the APC protein. Computational prediction is inconclusive regarding the impact of this variant on protein structure and function. To our knowledge, functional studies have not been reported for this variant. This variant has not been reported in individuals affected with APC-related disorders in the literature. This variant has been identified in 8/250688 chromosomes in the general population by the Genome Aggregation Database (gnomAD). The available evidence is insufficient to determine the role of this variant in disease conclusively. Therefore, this variant is classified as a Variant of Uncertain Significance.

GeneDx
Classification: Uncertain significance. Last evaluated: 2025-05-29. Review status: criteria provided, single submitter. Criteria: GeneDx Variant Classification Process June 2021. Collection method: clinical testing. Allele origin: germline. Affected: yes.
Comment: In silico analysis supports that this missense variant has a deleterious effect on protein structure/function; Has not been previously published as pathogenic or benign to our knowledge; This variant is associated with the following publications: (PMID: 23085758, 27997549, 25583476, 36243179)

Center for Genomic Medicine, Rigshospitalet, Copenhagen University Hospital
Classification: Uncertain significance. Last evaluated: 2025-03-04. Review status: criteria provided, single submitter. Criteria: ACMG Guidelines, 2015. Collection method: clinical testing. Allele origin: germline.
Comment: Classification criteria: BP1

All of Us Research Program, National Institutes of Health
Classification: Uncertain significance for Classic or attenuated familial adenomatous polyposis. Last evaluated: 2023-08-15. Review status: criteria provided, single submitter. Criteria: ACMG Guidelines, 2015. Collection method: clinical testing. Allele origin: germline. Inheritance: Autosomal dominant inheritance. Observed: 6 variant alleles, 6 heterozygotes.
Comment: This missense variant replaces arginine with tryptophan at codon 2530 of the APC protein. Computational prediction is inconclusive regarding the impact of this variant on protein structure and function (internally defined REVEL score threshold 0.5 < inconclusive < 0.7, PMID: 27666373). To our knowledge, functional studies have not been reported for this variant. This variant has not been reported in individuals affected with APC-related disorders in the literature. This variant has been identified in 8/250688 chromosomes in the general population by the Genome Aggregation Database (gnomAD). The available evidence is insufficient to determine the role of this variant in disease conclusively. Therefore, this variant is classified as a Variant of Uncertain Significance.

This study involves interpretation of variants in research participants for the purpose of population health screening. Participant phenotype was not available at the time of variant classification. Additional details can be found in publication PMID: 35346344, PMCID: PMC8962531

Baylor Genetics
Classification: Uncertain significance for Familial adenomatous polyposis 1. Last evaluated: 2023-07-19. Review status: criteria provided, single submitter. Criteria: ACMG Guidelines, 2015. Collection method: clinical testing. Allele origin: unknown.

Ambry Genetics
Classification: Likely benign for Hereditary cancer-predisposing syndrome. Last evaluated: 2021-07-22. Review status: criteria provided, single submitter. Criteria: Ambry Variant Classification Scheme 2023. Collection method: clinical testing. Allele origin: germline.

Quest Diagnostics Nichols Institute San Juan Capistrano
Classification: Uncertain significance. Last evaluated: 2017-06-13. Review status: criteria provided, single submitter. Criteria: Quest Diagnostics criteria. Collection method: clinical testing. Allele origin: germline.